The following is an entry in ClinVar:

ClinVar aggregate classification (somatic clinical impact): Tier I - Strong (1 of 4 stars; one submission).

Conditions:
Adamantinous craniopharyngioma. Identifiers: MedGen C0431129, MONDO:0002787.

Submission:

Institute for Genomic Medicine (IGM) Clinical Laboratory, Nationwide Children's Hospital
Classification: Tier I - Strong for Adamantinous craniopharyngioma. Assertion type: diagnostic. Clinical significance: supports diagnosis. Last evaluated: 2024-03-15. Review status: criteria provided, single submitter. Criteria: AMP/ASCO/CAP Guidelines, 2017. Collection method: clinical testing. Allele origin: somatic. Affected: yes.
Comment: Variant has Tier I (strong) clinical significance as a diagnostic inclusion criterion in adamantinous craniopharyngioma, based on the following evidence: 1) Appears in one or more well-established professional guidelines (e.g., World Health Organization [WHO]; National Comprehensive Cancer Network [NCCN]) as providing diagnostic, prognostic, or therapeutic information. 2) Information in the literature supports potential biologic effect of variant (PMIDs: 29435196, 30699286). 3) Diagnostic for a specific tumor type/classification according to professional guidelines (Evidence Level A; PMIDs: 12466115, 24413733, 28069929, 38421446).

Literature cited by the submitters: PubMed 29435196; PubMed 30699286; PubMed 12466115; PubMed 24413733; PubMed 28069929; PubMed 38421446.

NM_001904.4(CTNNB1):c.131_135delinsAGAGA (p.Pro44_Ser45delinsGlnArg)

Genes: CTNNB1 (catenin beta 1; plus strand), LOC126806658 (BRD4-independent group 4 enhancer GRCh37_chr3:41265899-41267098; plus strand). Cytogenetic location: 3p22.1.
Variant type: Indel.
Coding change: c.131_135delinsAGAGA on transcript NM_001904.4 (MANE Select); coding-DNA positions 131 to 135, CTTCT replaced by AGAGA.
Protein change: p.Pro44_Ser45delinsGlnArg.
Molecular consequence: missense variant.
Genome position (GRCh38, 1-based): chr3:41,224,643-41,224,647, CTTCT replaced by AGAGA. VCF-style: chr3-41224643-CTTCT-AGAGA. GRCh37 (hg19) VCF-style: chr3-41266134-CTTCT-AGAGA.
Other names: c.131_135delinsAGAGA, p.Pro44_Ser45delinsGlnArg (NM_001098209.2, NM_001098210.2, NM_001438871.1 and 4 more transcripts); c.110_114delinsAGAGA, p.Pro37_Ser38delinsGlnArg (NM_001330729.2).
Identifiers: ClinVar variation 4530137 (VCV004530137.1).